The following is an entry in ClinVar:

ClinVar aggregate classification (germline): Uncertain significance (1 of 4 stars; one submission).

Submission:

OLLIN Analises Genomicas, OLLIN
Classification: Uncertain significance. Last evaluated: 2026-08-06. Review status: criteria provided, single submitter. Criteria: ACMG Guidelines 2015 PMID 25741868. Collection method: clinical testing. Allele origin: germline.
Comment: This missense variant, located in exon 12 (of 22), is absent from gnomAD and ClinVar and has not been identified in the literature. In silico analysis predicts that this variant has a tolerated effect. According to the currently available evidence, this variant has been classified as uncertain significance (PM2_P, BP4_M).

NM_001556.3(IKBKB):c.1208C>G (p.Pro403Arg)

Gene: IKBKB (inhibitor of nuclear factor kappa B kinase subunit beta; plus strand). Cytogenetic location: 8p11.21.
Variant type: single nucleotide variant.
Coding change: c.1208C>G on transcript NM_001556.3 (MANE Select); coding-DNA position 1208, C replaced by G.
Protein change: p.Pro403Arg; replaces proline 403 with arginine.
Molecular consequence: missense variant. On other transcripts: non-coding transcript variant (3).
Genome position (GRCh38, 1-based): chr8:42,317,739, C>G. VCF-style: chr8-42317739-C-G. GRCh37 (hg19) VCF-style: chr8-42175257-C-G.
Other names: c.1016C>G, p.Pro339Arg (NM_001190720.3); c.1031C>G, p.Pro344Arg (NM_001242778.2); short protein forms P403R, P339R, P344R.
Identifiers: ClinVar variation 5002729 (VCV005002729.1).